The following is an entry in ClinVar:

NM_006947.4(SRP72):c.329A>T (p.Lys110Ile)

Gene: SRP72 (signal recognition particle 72; plus strand). Cytogenetic location: 4q12.
Variant type: single nucleotide variant.
Coding change: c.329A>T on transcript NM_006947.4 (MANE Select); coding-DNA position 329, A replaced by T.
Protein change: p.Lys110Ile; replaces lysine 110 with isoleucine.
Molecular consequence: missense variant. On other transcripts: non-coding transcript variant (1).
Genome position (GRCh38, 1-based): chr4:56,471,818, A>T. VCF-style: chr4-56471818-A-T. GRCh37 (hg19) VCF-style: chr4-57337984-A-T.
Other names: c.329A>T, p.Lys110Ile (NM_001267722.2); short protein forms K110I.
Identifiers: ClinVar variation 4174931 (VCV004174931.1).

ClinVar aggregate classification (germline): Uncertain significance (1 of 4 stars; one submission).

Submission:

Ambry Genetics
Classification: Uncertain significance. Last evaluated: 2025-07-15. Review status: criteria provided, single submitter. Criteria: Ambry Variant Classification Scheme 2023. Collection method: clinical testing. Allele origin: germline.
Comment: The p.K110I variant (also known as c.329A>T), located in coding exon 3 of the SRP72 gene, results from an A to T substitution at nucleotide position 329. The lysine at codon 110 is replaced by isoleucine, an amino acid with dissimilar properties. This amino acid position is conserved. In addition, the in silico prediction for this alteration is inconclusive. Based on the available evidence, the clinical significance of this variant remains unclear.